The following is an entry in ClinVar:

NM_020911.2(PLXNA4):c.5490C>T (p.Asn1830=)

Gene: PLXNA4 (plexin A4; minus strand). Cytogenetic location: 7q32.3.
Variant type: single nucleotide variant.
Coding change: c.5490C>T on transcript NM_020911.2 (MANE Select); coding-DNA position 5490, C replaced by T.
Protein change: p.Asn1830=; no amino-acid change (asparagine 1830 retained).
Molecular consequence: synonymous variant.
Genome position (GRCh38, 1-based): chr7:132,133,148, G>A on the plus strand (C>T on the coding strand, the complement: PLXNA4 is on the minus strand). VCF-style: chr7-132133148-G-A. GRCh37 (hg19) VCF-style: chr7-131817907-G-A.
Other names: c.5490C>T, p.Asn1830= (NM_001393897.1).
Identifiers: ClinVar variation 3031715 (VCV003031715.2), dbSNP rs201396021, ClinGen allele CA4488886.

ClinVar aggregate classification (germline): Likely benign (0 of 4 stars; one submission).

Conditions:
PLXNA4-related disorder. Also called: PLXNA4-related condition.

Allele frequency attached by ClinVar (database versions not stated): ExAC 0.00004; ESP Exome Variant Server 0.00008; gnomAD 0.00013; TOPMed 0.00013; 1000 Genomes Project 30x 0.00016.
gnomAD v4.1: 93 of 1,614,186 alleles (0.0058%); highest among the groups gnomAD compares: Admixed American, 0.045%; 1 homozygote.

Submission:

PreventionGenetics, part of Exact Sciences
Classification: Likely benign for PLXNA4-related condition. Last evaluated: 2021-11-10. Review status: no assertion criteria provided. Collection method: clinical testing. Allele origin: germline.
Comment: This variant is classified as likely benign based on ACMG/AMP sequence variant interpretation guidelines (Richards et al. 2015 PMID: 25741868, with internal and published modifications).